The following is an entry in ClinVar:

NM_000843.4(GRM6):c.109G>A (p.Gly37Ser)

Gene: GRM6 (glutamate metabotropic receptor 6; minus strand). Cytogenetic location: 5q35.3.
Variant type: single nucleotide variant.
Coding change: c.109G>A on transcript NM_000843.4 (MANE Select); coding-DNA position 109, G replaced by A.
Protein change: p.Gly37Ser; replaces glycine 37 with serine.
Molecular consequence: missense variant.
Genome position (GRCh38, 1-based): chr5:178,994,836, C>T on the plus strand (G>A on the coding strand, the complement: GRM6 is on the minus strand). VCF-style: chr5-178994836-C-T. GRCh37 (hg19) VCF-style: chr5-178421837-C-T.
Other names: short protein forms G37S.
Identifiers: ClinVar variation 1409575 (VCV001409575.8), dbSNP rs1299549219, ClinGen allele CA362437053.

ClinVar aggregate classification (germline): Uncertain significance (1 of 4 stars; one submission).

Allele frequency attached by ClinVar (database versions not stated): TOPMed below 0.00001; gnomAD 0.00001; gnomAD exomes 0.00001.
gnomAD v4.1: 3 of 1,228,380 alleles (0.00024%); highest among the groups gnomAD compares: Non-Finnish European, 0.0003%; no homozygotes.

Submission:

Labcorp Genetics (formerly Invitae), Labcorp
Classification: Uncertain significance. Last evaluated: 2021-02-15. Review status: criteria provided, single submitter. Criteria: Invitae Variant Classification Sherloc (09022015). Collection method: clinical testing. Allele origin: germline.
Comment: In summary, the available evidence is currently insufficient to determine the role of this variant in disease. Therefore, it has been classified as a Variant of Uncertain Significance. Advanced modeling of protein sequence and biophysical properties (such as structural, functional, and spatial information, amino acid conservation, physicochemical variation, residue mobility, and thermodynamic stability) performed at Invitae indicates that this missense variant is expected to disrupt GRM6 protein function. This variant has not been reported in the literature in individuals with GRM6-related conditions. The frequency data for this variant in the population databases is considered unreliable, as metrics indicate insufficient coverage at this position in the ExAC database. This sequence change replaces glycine with serine at codon 37 of the GRM6 protein (p.Gly37Ser). The glycine residue is highly conserved and there is a small physicochemical difference between glycine and serine.